The following is an entry in ClinVar:

NM_000455.5(STK11):c.602_606del (p.Leu201fs)

Gene: STK11 (serine/threonine kinase 11; plus strand). Cytogenetic location: 19p13.3.
Variant type: Deletion.
Coding change: c.602_606del on transcript NM_000455.5 (MANE Select); coding-DNA positions 602 to 606, 5 bases deleted (TGCAC; older notation c.602_606delTGCAC).
Protein change: p.Leu201fs; shifts the reading frame from leucine 201.
Molecular consequence: frameshift variant. On other transcripts: non-coding transcript variant (1).
Genome position (GRCh38, 1-based): chr19:1,220,585-1,220,589, TGCAC deleted; deleting any 5 consecutive bases within chr19:1,220,581-1,220,589 gives the same sequence; the c. name uses the placement nearest the transcript's 3' end. VCF-style (leftmost placement, unchanged base first): chr19-1220580-GGCACT-G. GRCh37 (hg19) VCF-style: chr19-1220579-GGCACT-G.
Other names: c.602_606del, p.Leu201fs (NM_001407255.1); short protein forms L201fs.
Identifiers: ClinVar variation 2705992 (VCV002705992.3), dbSNP rs2512943286, ClinGen allele CA2697555598.

ClinVar aggregate classification (germline): Pathogenic (1 of 4 stars; one submission).

Conditions:
Peutz-Jeghers syndrome (PJS). Also called: POLYPOSIS, HAMARTOMATOUS INTESTINAL; POLYPS-AND-SPOTS SYNDROME; Peutz-Jeghers polyposis; Periorificial lentiginosis syndrome. Identifiers: Orphanet 2869, MedGen C0031269, MeSH D010580, MONDO:0008280, OMIM 175200.

Submission:

Labcorp Genetics (formerly Invitae), Labcorp
Classification: Pathogenic for Peutz-Jeghers syndrome. Last evaluated: 2023-12-28. Review status: criteria provided, single submitter. Criteria: Invitae Variant Classification Sherloc (09022015). Collection method: clinical testing. Allele origin: germline.
Comment: This sequence change creates a premature translational stop signal (p.Leu201Profs*63) in the STK11 gene. It is expected to result in an absent or disrupted protein product. Loss-of-function variants in STK11 are known to be pathogenic (PMID: 15188174, 16287113). This variant is not present in population databases (gnomAD no frequency). This variant has not been reported in the literature in individuals affected with STK11-related conditions. Algorithms developed to predict the effect of sequence changes on RNA splicing suggest that this variant may disrupt the consensus splice site. For these reasons, this variant has been classified as Pathogenic.

Literature cited by the submitters: PubMed 15188174; PubMed 16287113.